The following is an entry in ClinVar:

NM_002693.3(POLG):c.1369C>T (p.Arg457Trp)

Gene: POLG (DNA polymerase gamma, catalytic subunit; minus strand). Cytogenetic location: 15q26.1.
Variant type: single nucleotide variant.
Coding change: c.1369C>T on transcript NM_002693.3 (MANE Select); coding-DNA position 1369, C replaced by T.
Protein change: p.Arg457Trp; replaces arginine 457 with tryptophan.
Molecular consequence: missense variant.
Genome position (GRCh38, 1-based): chr15:89,327,231, G>A on the plus strand (C>T on the coding strand, the complement: POLG is on the minus strand). VCF-style: chr15-89327231-G-A. GRCh37 (hg19) VCF-style: chr15-89870462-G-A.
Other names: p.R457W:CGG>TGG; c.1369C>T, p.Arg457Trp (NM_001126131.2); short protein forms R457W.
Identifiers: ClinVar variation 206594 (VCV000206594.12), dbSNP rs766242100, ClinGen allele CA316830.

ClinVar aggregate classification (germline): Uncertain significance. Review status: criteria provided, multiple submitters, no conflicts (2 of 4 stars). 4 submissions from 4 submitters: Uncertain significance (4). Last evaluated 2026-01-21.

Conditions:
Hereditary spastic paraplegia. Also called: Familial spastic paraparesis. Identifiers: Orphanet 685, MedGen C0037773, MONDO:0019064. Disease mechanism: loss of function.
Progressive sclerosing poliodystrophy (MTDPS4A). Also called: ALPERS DIFFUSE DEGENERATION OF CEREBRAL GRAY MATTER WITH HEPATIC CIRRHOSIS; Alpers-Huttenlocher Syndrome; ALPERS PROGRESSIVE INFANTILE POLIODYSTROPHY; NEURONAL DEGENERATION OF CHILDHOOD WITH LIVER DISEASE, PROGRESSIVE; Mitochondrial DNA Depletion Syndrome 4A; Alpers-Huttenlocher Syndrome (AHS). Identifiers: Orphanet 726, MedGen C0205710, MONDO:0008758, OMIM 203700.

Allele frequency attached by ClinVar (database versions not stated): gnomAD 0.00001; TOPMed 0.00002.
gnomAD v4.1: 14 of 1,614,074 alleles (0.00087%); highest among the groups gnomAD compares: Admixed American, 0.0067%; no homozygotes.

Submissions (4):

Labcorp Genetics (formerly Invitae), Labcorp
Classification: Uncertain significance for Progressive sclerosing poliodystrophy. Last evaluated: 2026-01-21. Review status: criteria provided, single submitter. Criteria: Invitae Variant Classification Sherloc (09022015). Collection method: clinical testing. Allele origin: germline.
Comment: This sequence change replaces arginine, which is basic and polar, with tryptophan, which is neutral and slightly polar, at codon 457 of the POLG protein (p.Arg457Trp). This variant is present in population databases (rs766242100, gnomAD 0.009%). This missense change has been observed in individual(s) with early onset Parkinson-disease (PMID: 35861376). ClinVar contains an entry for this variant (Variation ID: 206594). Invitae Evidence Modeling of protein sequence and biophysical properties (such as structural, functional, and spatial information, amino acid conservation, physicochemical variation, residue mobility, and thermodynamic stability) indicates that this missense variant is not expected to disrupt POLG protein function with a negative predictive value of 95%. In summary, the available evidence is currently insufficient to determine the role of this variant in disease. Therefore, it has been classified as a Variant of Uncertain Significance.

GeneDx
Classification: Uncertain significance. Last evaluated: 2025-01-27. Review status: criteria provided, single submitter. Criteria: GeneDx Variant Classification Process June 2021. Collection method: clinical testing. Allele origin: germline. Affected: yes.
Comment: Observed heterozygous in an individual with early-onset Parkinsons disease (PMID: 35861376); Not observed at significant frequency in large population cohorts (gnomAD); In silico analysis supports that this missense variant has a deleterious effect on protein structure/function; This variant is associated with the following publications: (PMID: 35861376)

Genome Diagnostics Laboratory, The Hospital for Sick Children
Classification: Uncertain significance for Hereditary spastic paraplegia. Last evaluated: 2020-05-01. Review status: criteria provided, single submitter. Criteria: ACMG Guidelines, 2015. Collection method: clinical testing. Allele origin: germline. Affected: yes.

Wong Mito Lab, Molecular and Human Genetics, Baylor College of Medicine
Classification: Uncertain significance for Progressive sclerosing poliodystrophy. Last evaluated: 2018-10-01. Review status: criteria provided, single submitter. Criteria: ACMG Guidelines, 2015. Collection method: clinical testing. Allele origin: germline.
Comment: The NM_002693.2:c.1369C>T (NP_002684.1:p.Arg457Trp) [GRCH38: NC_000015.10:g.89327231G>A] variant in POLG gene is interpretated to be a Uncertain Significance based on ACMG guidelines (PMID: 25741868). This variant meets the following evidence codes reported in the ACMG-guideline. PM2:This variant is absent in key population databases. Based on the evidence criteria codes applied, the variant is suggested to be Uncertain Significance.

Literature cited by the submitters: PubMed 35861376 (cited by Labcorp Genetics (formerly Invitae), Labcorp).